The following is an entry in ClinVar:

ClinVar aggregate classification (germline): Uncertain significance (1 of 4 stars; one submission).

Submission:

GeneDx
Classification: Uncertain significance. Last evaluated: 2024-03-04. Review status: criteria provided, single submitter. Criteria: GeneDx Variant Classification Process June 2021. Collection method: clinical testing. Allele origin: germline. Affected: yes.
Comment: Not observed at significant frequency in large population cohorts (gnomAD); Canonical splice site variant with an unclear effect on protein function; Has not been previously published as pathogenic or benign to our knowledge

NM_015443.4(KANSL1):c.2392_2392+1dup

Gene: KANSL1 (KAT8 regulatory NSL complex subunit 1). Cytogenetic location: 17q21.31.
Variant type: Duplication.
Coding change: c.2392_2392+1dup on transcript NM_015443.4 (MANE Select); coding-DNA position 2392 through the canonical splice donor site of the intron after coding-DNA position 2392, this stretch duplicated.
Molecular consequence: splice donor variant. On other transcripts: intron variant (8).
Genome position: GRCh38 VCF-style: chr17-46039025-A-ACC. GRCh37 (hg19) VCF-style: chr17-44116391-A-ACC.
Other names: c.938-341_938-340dup (NM_001405885.1, NM_001405884.1); c.1126_1126+1dup (NM_001405883.1, NM_001405882.1); c.2290_2290+1dup (NM_001405881.1, NM_001405861.1, NM_001405859.1 and 1 more transcripts); c.2204-341_2204-340dup (NM_001405879.1, NM_001405875.1, NM_001405878.1 and 3 more transcripts); c.2392_2392+1dup (NM_001193465.2, NM_001405872.1, NM_001379198.1 and 8 more transcripts).
Identifiers: ClinVar variation 2504175 (VCV002504175.2), dbSNP rs2510479806, ClinGen allele CA2580613153.